The following is an entry in ClinVar:

ClinVar aggregate classification (germline): Conflicting classifications of pathogenicity. Review status: criteria provided, conflicting classifications (1 of 4 stars). 3 submissions from 3 submitters: Uncertain significance (2); Likely benign (1). Last evaluated 2025-10-21.

Conditions:
ROM1-related disorder. Also called: ROM1-related condition.

Submissions (3):

Labcorp Genetics (formerly Invitae), Labcorp
Classification: Likely benign. Last evaluated: 2025-10-21. Review status: criteria provided, single submitter. Criteria: Invitae Variant Classification Sherloc (09022015). Collection method: clinical testing. Allele origin: germline.

PreventionGenetics, part of Exact Sciences
Classification: Uncertain significance for ROM1-related condition. Last evaluated: 2025-03-28. Review status: criteria provided, single submitter. Criteria: ACMG Guidelines, 2015. Collection method: clinical testing. Allele origin: germline.
Comment: The ROM1 c.712delC variant is predicted to result in a frameshift and premature protein termination (p.Leu238Cysfs*78). This variant has been reported in a single patient with pericentral retinitis pigmentosa (Comander. 2017. PubMed ID: 28981474). A different small deletion at the same position (c.712_713del, p.Leu238Valfs*17) has been reported in a single patient with early onset high myopia (Zhou et al. 2018. PubMed ID: 29453956). Other variants that result in premature protein termination have also been reported to be pathogenic in the ROM1 gene (Human Gene Mutation Database). Of note, some premature termination variants in the ROM1 gene have been reported to exhibit digenic inheritance (Kajiwara et al., 1994. PubMed ID: 8202715). For example, individuals who are heterozygous carriers for either PRPH2 c.554T>C or ROM1 c.339dup were asymptomatic while affected patients were heterozygous for both the PRPH2 and ROM1 variants (Kajiwara et al., 1994. PubMed ID: 8202715). Mouse models have also supported the digenic inheritance of retinal disorders (Kedzierski et al., 2001. PubMed ID: 11427722). This variant is reported in 0.27% of alleles in individuals of Ashkenazi Jewish descent in gnomAD, indicating it is relatively common. At this time, the clinical significance of this variant is uncertain due to the absence of conclusive functional and genetic evidence.

Blueprint Genetics
Classification: Uncertain significance. Last evaluated: 2024-06-12. Review status: criteria provided, single submitter. Criteria: ACMG Guidelines, 2015. Collection method: clinical testing. Allele origin: germline.

NM_000327.4(ROM1):c.712del (p.Leu238fs)

Gene: ROM1 (retinal outer segment membrane protein 1; plus strand). Cytogenetic location: 11q12.3.
Variant type: Deletion.
Coding change: c.712del on transcript NM_000327.4 (MANE Select); coding-DNA position 712, one base deleted (C; older notation c.712delC).
Protein change: p.Leu238fs; shifts the reading frame from leucine 238.
Molecular consequence: frameshift variant.
Genome position (GRCh38, 1-based): chr11:62,614,379, C deleted; the last of 5 consecutive C bases (chr11:62,614,375-62,614,379); deleting any one gives the same sequence. VCF-style (leftmost placement, unchanged base first): chr11-62614374-AC-A. GRCh37 (hg19) VCF-style: chr11-62381846-AC-A.
Other names: short protein forms L238fs.
Identifiers: ClinVar variation 866285 (VCV000866285.14), dbSNP rs747855165, ClinGen allele CA6049814.
Genomic context (GRCh38, chr11:62,614,374, plus strand): 5'-GTTGCAACCCCCACTCACCCCGGCCTTGCCTGCAAAACCGTCTTTCAGACTCCTACGCCC[AC>A]CCCCTGTTCGATCCCCGACAACCCAACCAAAACCTCTGGGCCCAAGGGTGCCATGAGGTG-3'